The following is an entry in ClinVar:

NM_004360.5(CDH1):c.1825C>T (p.Pro609Ser)

Gene: CDH1 (cadherin 1; plus strand). Cytogenetic location: 16q22.1.
Variant type: single nucleotide variant.
Coding change: c.1825C>T on transcript NM_004360.5 (MANE Select); coding-DNA position 1825, C replaced by T.
Protein change: p.Pro609Ser; replaces proline 609 with serine.
Molecular consequence: missense variant. On other transcripts: 5 prime UTR variant (1).
Genome position (GRCh38, 1-based): chr16:68,822,114, C>T. VCF-style: chr16-68822114-C-T. GRCh37 (hg19) VCF-style: chr16-68856017-C-T.
Other names: c.1642C>T, p.Pro548Ser (NM_001317184.2); c.277C>T, p.Pro93Ser (NM_001317185.2); c.-141C>T (NM_001317186.2); short protein forms P609S, P548S, P93S.
Identifiers: ClinVar variation 631219 (VCV000631219.8), dbSNP rs1567512385, ClinGen allele CA396466869.

ClinVar aggregate classification (germline): Conflicting classifications of pathogenicity. Review status: criteria provided, conflicting classifications (1 of 4 stars). 4 submissions from 4 submitters: Uncertain significance (3); Likely benign (1). Last evaluated 2026-07-30.

Conditions:
Hereditary diffuse gastric adenocarcinoma (HDGC). Also called: DIFFUSE GASTRIC AND LOBULAR BREAST CANCER SYNDROME. Identifiers: Orphanet 26106, MedGen C1708349, MONDO:0007648, OMIM 137215.
Hereditary cancer-predisposing syndrome. Also called: Neoplastic Syndromes, Hereditary; Hereditary Cancer Syndrome; Hereditary neoplastic syndrome; Tumor predisposition. Identifiers: Orphanet 140162, MedGen C0027672, MeSH D009386, MONDO:0015356.

Allele frequency attached by ClinVar (database versions not stated): gnomAD exomes below 0.00001.
gnomAD v4.1: 1 of 1,614,084 alleles (0.000062%); highest among the groups gnomAD compares: Non-Finnish European, 0.000085%; no homozygotes.

Submissions (4):

Ambry Genetics
Classification: Likely benign for Hereditary cancer-predisposing syndrome. Last evaluated: 2026-07-30. Review status: criteria provided, single submitter. Criteria: Ambry Variant Classification Scheme 2023. Collection method: clinical testing. Allele origin: germline.

Labcorp Genetics (formerly Invitae), Labcorp
Classification: Uncertain significance for Hereditary diffuse gastric adenocarcinoma. Last evaluated: 2025-09-13. Review status: criteria provided, single submitter. Criteria: Invitae Variant Classification Sherloc (09022015). Collection method: clinical testing. Allele origin: germline.
Comment: This sequence change replaces proline, which is neutral and non-polar, with serine, which is neutral and polar, at codon 609 of the CDH1 protein (p.Pro609Ser). This variant is not present in population databases (gnomAD no frequency). This variant has not been reported in the literature in individuals affected with CDH1-related conditions. ClinVar contains an entry for this variant (Variation ID: 631219). An algorithm developed to predict the effect of missense changes on protein structure and function outputs the following: PolyPhen-2: "Benign". The serine amino acid residue is found in multiple mammalian species, which suggests that this missense change does not adversely affect protein function. In summary, the available evidence is currently insufficient to determine the role of this variant in disease. Therefore, it has been classified as a Variant of Uncertain Significance.

European Reference Network on Genetic Tumour Risk Syndromes (ERN-GENTURIS), i3s - Instituto de Investigação e Inovação em Saúde, University of Porto
Classification: Uncertain significance for Hereditary diffuse gastric adenocarcinoma. Last evaluated: 2022-08-01. Review status: criteria provided, single submitter. Criteria: Lee et al. (Hum Mutat. 2018). Collection method: clinical testing. Allele origin: germline. Inheritance: Autosomal dominant inheritance. Affected: no. Study: ERN GENTURIS.
Comment: PM2 (PMID: 30311375)

Color Diagnostics, LLC DBA Color Health
Classification: Uncertain significance for Hereditary cancer-predisposing syndrome. Last evaluated: 2019-04-05. Review status: criteria provided, single submitter. Criteria: ACMG Guidelines, 2015. Collection method: clinical testing. Allele origin: germline.

Literature cited by the submitters: PubMed 36436516 (cited by European Reference Network on Genetic Tumour Risk Syndromes (ERN-GENTURIS), i3s - Instituto de Investigação e Inovação em Saúde, University of Porto).